The following is an entry in ClinVar:

NM_006059.4(LAMC3):c.994C>T (p.Arg332Cys)

Gene: LAMC3 (laminin subunit gamma 3; plus strand). Cytogenetic location: 9q34.12.
Variant type: single nucleotide variant.
Coding change: c.994C>T on transcript NM_006059.4 (MANE Select); coding-DNA position 994, C replaced by T.
Protein change: p.Arg332Cys; replaces arginine 332 with cysteine.
Molecular consequence: missense variant.
Genome position (GRCh38, 1-based): chr9:131,038,881, C>T. VCF-style: chr9-131038881-C-T. GRCh37 (hg19) VCF-style: chr9-133914268-C-T.
Other names: short protein forms R332C.
Identifiers: ClinVar variation 1418224 (VCV001418224.3), dbSNP rs748419404, ClinGen allele CA5286901.
Genomic context (GRCh38, chr9:131,038,881, plus strand): 5'-CATCACAGGGGACTCACACACCTTTCCCCACTCCTGCCCATAGCCTGCAACTGCAGTGGC[C>T]GCTCCGAGGAATGCACGTTTGATCGGGAGCTCTTCCGCAGCACAGGCCACGGCGGGCGCT-3'
Protein context (NP_006050.3, residues 322-342): HECLPCNCSG[Arg332Cys]SEECTFDREL

ClinVar aggregate classification (germline): Uncertain significance (1 of 4 stars; one submission).

Allele frequency attached by ClinVar (database versions not stated): gnomAD 0.00006.
gnomAD v4.1: 85 of 1,613,056 alleles (0.0053%); highest among the groups gnomAD compares: East Asian, 0.0089%; no homozygotes.

Submission:

Labcorp Genetics (formerly Invitae), Labcorp
Classification: Uncertain significance. Last evaluated: 2022-08-31. Review status: criteria provided, single submitter. Criteria: Invitae Variant Classification Sherloc (09022015). Collection method: clinical testing. Allele origin: germline.
Comment: This sequence change replaces arginine, which is basic and polar, with cysteine, which is neutral and slightly polar, at codon 332 of the LAMC3 protein (p.Arg332Cys). This variant is present in population databases (rs748419404, gnomAD 0.02%). This variant has not been reported in the literature in individuals affected with LAMC3-related conditions. ClinVar contains an entry for this variant (Variation ID: 1418224). Algorithms developed to predict the effect of missense changes on protein structure and function (SIFT, PolyPhen-2, Align-GVGD) all suggest that this variant is likely to be disruptive. In summary, the available evidence is currently insufficient to determine the role of this variant in disease. Therefore, it has been classified as a Variant of Uncertain Significance.